The following is an entry in ClinVar:

NM_015295.3(SMCHD1):c.2206A>G (p.Thr736Ala)

Gene: SMCHD1 (structural maintenance of chromosomes flexible hinge domain containing 1; plus strand). Cytogenetic location: 18p11.32.
Variant type: single nucleotide variant.
Coding change: c.2206A>G on transcript NM_015295.3 (MANE Select); coding-DNA position 2206, A replaced by G.
Protein change: p.Thr736Ala; replaces threonine 736 with alanine.
Molecular consequence: missense variant.
Genome position (GRCh38, 1-based): chr18:2,707,866, A>G. VCF-style: chr18-2707866-A-G. GRCh37 (hg19) VCF-style: chr18-2707864-A-G.
Other names: short protein forms T736A.
Identifiers: ClinVar variation 1965407 (VCV001965407.5), dbSNP rs2510042042, ClinGen allele CA401680357.

ClinVar aggregate classification (germline): Uncertain significance (1 of 4 stars; one submission).

Conditions:
Facioscapulohumeral muscular dystrophy 2 (FSHD2). Also called: MUSCULAR DYSTROPHY, FACIOSCAPULOHUMERAL, TYPE 1B; FACIOSCAPULOHUMERAL MUSCULAR DYSTROPHY 2, DIGENIC; FSHD2, DIGENIC. Identifiers: Orphanet 269, MedGen C1834671, MONDO:0008031, OMIM 158901.

Allele frequency attached by ClinVar (database versions not stated): gnomAD exomes below 0.00001.
gnomAD v4.1: 1 of 1,609,854 alleles (0.000062%); highest among the groups gnomAD compares: Non-Finnish European, 0.000085%; no homozygotes.

Submission:

Labcorp Genetics (formerly Invitae), Labcorp
Classification: Uncertain significance for Facioscapulohumeral muscular dystrophy 2. Last evaluated: 2022-08-01. Review status: criteria provided, single submitter. Criteria: Invitae Variant Classification Sherloc (09022015). Collection method: clinical testing. Allele origin: germline.
Comment: This variant has not been reported in the literature in individuals affected with SMCHD1-related conditions. This variant is not present in population databases (gnomAD no frequency). This sequence change replaces threonine, which is neutral and polar, with alanine, which is neutral and non-polar, at codon 736 of the SMCHD1 protein (p.Thr736Ala). Algorithms developed to predict the effect of missense changes on protein structure and function (SIFT, PolyPhen-2, Align-GVGD) all suggest that this variant is likely to be tolerated. In summary, the available evidence is currently insufficient to determine the role of this variant in disease. Therefore, it has been classified as a Variant of Uncertain Significance.